The following is an entry in ClinVar:

ClinVar aggregate classification (germline): Benign/Likely benign. Review status: criteria provided, multiple submitters, no conflicts (2 of 4 stars). 5 submissions from 5 submitters: Benign (2); Likely benign (3). Last evaluated 2026-01-28.

Conditions:
Bruck syndrome 2 (BRKS2). Also called: OSTEOGENESIS IMPERFECTA WITH CONGENITAL JOINT CONTRACTURES. Identifiers: Orphanet 2771, MedGen C1836602, MONDO:0012217, OMIM 609220.

Allele frequency attached by ClinVar (database versions not stated): gnomAD exomes 0.00061 and 0.00150; ExAC 0.00359; ESP Exome Variant Server 0.00634; gnomAD 0.00655 and 0.00701; TOPMed 0.00704; 1000 Genomes Project 0.00839; 1000 Genomes Project 30x 0.00999.
gnomAD v4.1: 1,901 of 1,580,650 alleles (0.12%); highest among the groups gnomAD compares: African/African-American, 2.3%; 25 homozygotes.

Submissions (5):

Labcorp Genetics (formerly Invitae), Labcorp
Classification: Benign. Last evaluated: 2026-01-28. Review status: criteria provided, single submitter. Criteria: Invitae Variant Classification Sherloc (09022015). Collection method: clinical testing. Allele origin: germline.

Blueprint Genetics
Classification: Likely benign. Last evaluated: 2024-11-13. Review status: criteria provided, single submitter. Criteria: ACMG Guidelines, 2015. Collection method: clinical testing. Allele origin: germline.

GeneDx
Classification: Likely benign. Last evaluated: 2022-05-29. Review status: criteria provided, single submitter. Criteria: GeneDx Variant Classification Process June 2021. Collection method: clinical testing. Allele origin: germline. Affected: yes.
Comment: See Variant Classification Assertion Criteria.

Illumina Laboratory Services, Illumina
Classification: Benign for Bruck syndrome 2. Last evaluated: 2017-12-27. Review status: criteria provided, single submitter. Criteria: ICSL Variant Classification Criteria 13 December 2019. Collection method: clinical testing. Allele origin: germline.
Comment: This variant was observed as part of a predisposition screen in an ostensibly healthy population. A literature search was performed for the gene, cDNA change, and amino acid change (where applicable). No publications were found based on this search. Allele frequency data from public databases was too high to be consistent with this variant causing disease. Therefore, this variant is classified as benign.

Breakthrough Genomics
Classification: Likely benign. Review status: criteria provided, single submitter. Criteria: ACMG Guidelines, 2015. Collection method: not provided. Allele origin: germline. Inheritance: Autosomal recessive inheritance. Affected: yes.

NM_182943.3(PLOD2):c.10T>A (p.Cys4Ser)

Gene: PLOD2 (procollagen-lysine,2-oxoglutarate 5-dioxygenase 2; minus strand). Cytogenetic location: 3q24.
Variant type: single nucleotide variant.
Coding change: c.10T>A on transcript NM_182943.3 (MANE Select); coding-DNA position 10, T replaced by A.
Protein change: p.Cys4Ser; replaces cysteine 4 with serine.
Molecular consequence: missense variant.
Genome position (GRCh38, 1-based): chr3:146,160,980, A>T on the plus strand (T>A on the coding strand, the complement: PLOD2 is on the minus strand). VCF-style: chr3-146160980-A-T. GRCh37 (hg19) VCF-style: chr3-145878767-A-T.
Other names: c.10T>A, p.Cys4Ser (NM_000935.3); short protein forms C4S.
Identifiers: ClinVar variation 717837 (VCV000717837.18), dbSNP rs116803293, ClinGen allele CA2655400.
Genomic context (GRCh38, chr3:146,160,980, plus strand): 5'-GACAGGGATTCCAGGGGTGGAGGACGAGCGCCAGGAGCAGCAGCTGAGGCTTCACCGTGC[A>T]TCCCCCCATATTCGGCCCTCGAGGGCCGCGCGGGCTCAGGCGCCCACGGCCCCGCAGCGC-3'
Protein context (NP_891988.1, residues 1-14): MGG[Cys4Ser]TVKPQLLLLA